The following is an entry in ClinVar:

NM_213622.4(STAMBP):c.243A>C (p.Lys81Asn)

Gene: STAMBP (STAM binding protein; plus strand). Cytogenetic location: 2p13.1.
Variant type: single nucleotide variant.
Coding change: c.243A>C on transcript NM_213622.4 (MANE Select); coding-DNA position 243, A replaced by C.
Protein change: p.Lys81Asn; replaces lysine 81 with asparagine.
Molecular consequence: missense variant. On other transcripts: 5 prime UTR variant (6), non-coding transcript variant (4).
Genome position (GRCh38, 1-based): chr2:73,844,852, A>C. VCF-style: chr2-73844852-A-C. GRCh37 (hg19) VCF-style: chr2-74071979-A-C.
Other names: c.243A>C, p.Lys81Asn (NM_001353967.2, NM_001353968.2, NM_001353969.2 and 3 more transcripts); c.-311A>C (NM_001353971.2, NM_001353973.2, NM_001353974.2 and 2 more transcripts); c.-163A>C (NM_001353972.2); short protein forms K81N.
Identifiers: ClinVar variation 2122600 (VCV002122600.2), dbSNP rs759468412, ClinGen allele CA347305047.

ClinVar aggregate classification (germline): Uncertain significance (1 of 4 stars; one submission).

Allele frequency attached by ClinVar (database versions not stated): gnomAD exomes below 0.00001; TOPMed below 0.00001.

Submission:

Labcorp Genetics (formerly Invitae), Labcorp
Classification: Uncertain significance. Last evaluated: 2023-11-27. Review status: criteria provided, single submitter. Criteria: Invitae Variant Classification Sherloc (09022015). Collection method: clinical testing. Allele origin: germline.
Comment: This sequence change replaces lysine, which is basic and polar, with asparagine, which is neutral and polar, at codon 81 of the STAMBP protein (p.Lys81Asn). This variant is not present in population databases (gnomAD no frequency). This variant has not been reported in the literature in individuals affected with STAMBP-related conditions. ClinVar contains an entry for this variant (Variation ID: 2122600). Advanced modeling of protein sequence and biophysical properties (such as structural, functional, and spatial information, amino acid conservation, physicochemical variation, residue mobility, and thermodynamic stability) performed at Invitae indicates that this missense variant is not expected to disrupt STAMBP protein function with a negative predictive value of 80%. In summary, the available evidence is currently insufficient to determine the role of this variant in disease. Therefore, it has been classified as a Variant of Uncertain Significance.